The following is an entry in ClinVar:

ClinVar aggregate classification (germline): Uncertain significance (1 of 4 stars; one submission).

Conditions:
Cardiovascular phenotype. Identifiers: MedGen CN230736.

gnomAD v4.1: 6 of 1,614,088 alleles (0.00037%); highest among the groups gnomAD compares: Non-Finnish European, 0.00042%; no homozygotes.

Submission:

Ambry Genetics
Classification: Uncertain significance for Cardiovascular phenotype. Last evaluated: 2024-11-23. Review status: criteria provided, single submitter. Criteria: Ambry Variant Classification Scheme 2023. Collection method: clinical testing. Allele origin: germline.
Comment: The p.G733D variant (also known as c.2198G>A), located in coding exon 17 of the JAG1 gene, results from a G to A substitution at nucleotide position 2198. The glycine at codon 733 is replaced by aspartic acid, an amino acid with similar properties. This amino acid position is conserved. In addition, this alteration is predicted to be tolerated by in silico analysis. Based on the available evidence, the clinical significance of this variant remains unclear.

NM_000214.3(JAG1):c.2198G>A (p.Gly733Asp)

Gene: JAG1 (jagged canonical Notch ligand 1; minus strand). Cytogenetic location: 20p12.2.
Variant type: single nucleotide variant.
Coding change: c.2198G>A on transcript NM_000214.3 (MANE Select); coding-DNA position 2198, G replaced by A.
Protein change: p.Gly733Asp; replaces glycine 733 with aspartic acid.
Molecular consequence: missense variant.
Genome position (GRCh38, 1-based): chr20:10,645,172, C>T on the plus strand (G>A on the coding strand, the complement: JAG1 is on the minus strand). VCF-style: chr20-10645172-C-T. GRCh37 (hg19) VCF-style: chr20-10625820-C-T.
Other names: short protein forms G733D.
Identifiers: ClinVar variation 3531197 (VCV003531197.1).